The following is an entry in ClinVar:

NM_001165963.4(SCN1A):c.474-333T>G

Gene: SCN1A (sodium voltage-gated channel alpha subunit 1; minus strand). Cytogenetic location: 2q24.3.
Variant type: single nucleotide variant.
Coding change: c.474-333T>G on transcript NM_001165963.4 (MANE Select); 333 bases into the intron before coding-DNA position 474, T replaced by G.
Molecular consequence: intron variant.
Genome position (GRCh38, 1-based): chr2:166,055,099, A>C on the plus strand (T>G on the coding strand, the complement: SCN1A is on the minus strand). VCF-style: chr2-166055099-A-C. GRCh37 (hg19) VCF-style: chr2-166911609-A-C.
Other names: c.474-333T>G (NM_001353949.2, NM_001353958.2, NM_001353950.2 and 10 more transcripts); c.-1952-333T>G (NM_001353961.2).
Identifiers: ClinVar variation 669020 (VCV000669020.1), dbSNP rs76716692, ClinGen allele CA16118018.

ClinVar aggregate classification (germline): Likely benign (1 of 4 stars; one submission).

Allele frequency attached by ClinVar (database versions not stated): gnomAD 0.02318 and 0.02438; TOPMed 0.03274; 1000 Genomes Project 0.04233; 1000 Genomes Project 30x 0.04435.
gnomAD v4.1: 3,676 of 152,016 alleles (2.4%); highest among the groups gnomAD compares: Admixed American, 14%; 222 homozygotes.

Submission:

GeneDx
Classification: Likely benign. Last evaluated: 2018-06-18. Review status: criteria provided, single submitter. Criteria: GeneDx Variant Classification (06012015). Collection method: clinical testing. Allele origin: germline. Affected: yes.
Comment: This variant is considered likely benign or benign based on one or more of the following criteria: it is a conservative change, it occurs at a poorly conserved position in the protein, it is predicted to be benign by multiple in silico algorithms, and/or has population frequency not consistent with disease.